The following is an entry in ClinVar:

NM_022051.3(EGLN1):c.380G>A (p.Cys127Tyr)

Gene: EGLN1 (egl-9 family hypoxia inducible factor 1; minus strand). Cytogenetic location: 1q42.2.
Variant type: single nucleotide variant.
Coding change: c.380G>A on transcript NM_022051.3 (MANE Select); coding-DNA position 380, G replaced by A.
Protein change: p.Cys127Tyr; replaces cysteine 127 with tyrosine.
Molecular consequence: missense variant.
Genome position (GRCh38, 1-based): chr1:231,421,509, C>T on the plus strand (G>A on the coding strand, the complement: EGLN1 is on the minus strand). VCF-style: chr1-231421509-C-T. GRCh37 (hg19) VCF-style: chr1-231557255-C-T.
Other names: c.380G>A, p.Cys127Tyr (NM_001377260.1, NM_001377261.1); short protein forms C127Y.
Identifiers: ClinVar variation 3507244 (VCV003507244.1).
Genomic context (GRCh38, chr1:231,421,509, plus strand): 5'-TCCTTGCCGGGCTCGGCTTCGGCAGCCACCGCCGAGCCCTGGCCGCCGGCGGCCGCACGA[C>T]ACGGCGACGCGGCCGCCGCTGGGTCGGCCGGGGGCTTGGCCTTTACTTTTCCCTTGGCCG-3'
Protein context (NP_071334.1, residues 117-137): PADPAAAASP[Cys127Tyr]RAAAGGQGSA

ClinVar aggregate classification (germline): Uncertain significance (1 of 4 stars; one submission).

Submission:

Ambry Genetics
Classification: Uncertain significance. Last evaluated: 2024-11-16. Review status: criteria provided, single submitter. Criteria: Ambry Variant Classification Scheme 2023. Collection method: clinical testing. Allele origin: germline.
Comment: The p.C127Y variant (also known as c.380G>A), located in coding exon 1 of the EGLN1 gene, results from a G to A substitution at nucleotide position 380. The cysteine at codon 127 is replaced by tyrosine, an amino acid with highly dissimilar properties. This amino acid position is conserved. In addition, this alteration is predicted to be tolerated by in silico analysis. Based on the available evidence, the clinical significance of this variant remains unclear.